The following is an entry in ClinVar:

ClinVar aggregate classification (germline): Conflicting classifications of pathogenicity. Review status: criteria provided, conflicting classifications (1 of 4 stars). 6 submissions from 6 submitters: Uncertain significance (4); Likely benign (1). 1 of the submissions does not count toward it. Last evaluated 2026-01-13.

Conditions:
Optic atrophy. Identifiers: MedGen C0029124, MONDO:0003608, HP:0000648.
OPA1-related disorder. Also called: OPA1-related disorders; OPA1-related condition.

Allele frequency attached by ClinVar (database versions not stated): gnomAD 0.00001; gnomAD exomes 0.00002; ExAC 0.00003; 1000 Genomes Project 30x 0.00016; 1000 Genomes Project 0.00020.

Submissions (6):

PreventionGenetics, part of Exact Sciences
Classification: Uncertain significance for OPA1-related condition. Last evaluated: 2026-01-13. Review status: criteria provided, single submitter. Criteria: ACMG Guidelines, 2015. Collection method: clinical testing. Allele origin: germline.
Comment: The OPA1 c.305A>G variant is predicted to result in the amino acid substitution p.Tyr102Cys. This variant has been reported with uncertain significance in cohort studies of optic atrophy (Ferré et al. 2009. PubMed ID: 19319978; Xu et al. 2021. PubMed ID: 33884488; Seo et al. 2022. PubMed ID: 36071901). This variant is present in 0.0062% of alleles in individuals of African descent in gnomAD. At this time, the clinical significance of this variant is uncertain due to the absence of conclusive functional and genetic evidence.

Labcorp Genetics (formerly Invitae), Labcorp
Classification: Likely benign. Last evaluated: 2025-10-24. Review status: criteria provided, single submitter. Criteria: Invitae Variant Classification Sherloc (09022015). Collection method: clinical testing. Allele origin: germline.

Mayo Clinic Laboratories, Mayo Clinic
Classification: Uncertain significance. Last evaluated: 2022-10-27. Review status: criteria provided, single submitter. Criteria: ACMG Guidelines, 2015. Collection method: clinical testing. Allele origin: germline. Observed: 2 variant alleles.
Comment: PP3

GeneDx
Classification: Uncertain significance. Last evaluated: 2022-05-10. Review status: criteria provided, single submitter. Criteria: GeneDx Variant Classification Process June 2021. Collection method: clinical testing. Allele origin: germline. Affected: yes.
Comment: In silico analysis supports that this missense variant has a deleterious effect on protein structure/function; This variant is associated with the following publications: (PMID: 19319978, 33884488)

Blueprint Genetics
Classification: Uncertain significance. Last evaluated: 2019-09-12. Review status: criteria provided, single submitter. Criteria: ACMG Guidelines, 2015. Collection method: clinical testing. Allele origin: germline.

Institute of Human Genetics, Univ. Regensburg, Univ. Regensburg
Classification: Likely pathogenic for Optic atrophy. Last evaluated: 2019-01-01. Review status: no assertion criteria provided. Criteria: ACMG Guidelines, 2015. Collection method: clinical testing. Allele origin: germline. Affected: yes. Not counted in ClinVar's aggregate classification.

Literature cited by the submitters: PubMed 19319978 (cited by Mayo Clinic Laboratories, Mayo Clinic); PubMed 33884488 (cited by Mayo Clinic Laboratories, Mayo Clinic); PubMed 36071901 (cited by Mayo Clinic Laboratories, Mayo Clinic).

NM_130837.3(OPA1):c.305A>G (p.Tyr102Cys)

Gene: OPA1 (OPA1 mitochondrial dynamin like GTPase; plus strand). Cytogenetic location: 3q29.
Variant type: single nucleotide variant.
Coding change: c.305A>G on transcript NM_130837.3 (MANE Select); coding-DNA position 305, A replaced by G.
Protein change: p.Tyr102Cys; replaces tyrosine 102 with cysteine.
Molecular consequence: missense variant. On other transcripts: 5 prime UTR variant (2).
Genome position (GRCh38, 1-based): chr3:193,614,995, A>G. VCF-style: chr3-193614995-A-G. GRCh37 (hg19) VCF-style: chr3-193332784-A-G.
Other names: c.305A>G (NM_130837.2); c.-68A>G (NM_001354663.2, NM_001354664.2); c.305A>G, p.Tyr102Cys (NM_015560.3, NM_130831.3, NM_130832.3 and 4 more transcripts); short protein forms Y102C.
Identifiers: ClinVar variation 1163832 (VCV001163832.19), dbSNP rs530896300, ClinGen allele CA2758975.